The following is an entry in ClinVar:

ClinVar aggregate classification (germline): Benign/Likely benign. Review status: criteria provided, multiple submitters, no conflicts (2 of 4 stars). 3 submissions from 3 submitters: Benign (1); Likely benign (2). Last evaluated 2025-11-28.

Conditions:
Hereditary cancer-predisposing syndrome. Also called: Hereditary Cancer Syndrome; Neoplastic Syndromes, Hereditary; Tumor predisposition; Hereditary neoplastic syndrome. Identifiers: Orphanet 140162, MedGen C0027672, MeSH D009386, MONDO:0015356.
Familial adenomatous polyposis 1 (FAP1). Also called: FAMILIAL ADENOMATOUS POLYPOSIS 1, ATTENUATED; POLYPOSIS, ADENOMATOUS INTESTINAL. Identifiers: MedGen C2713442, MONDO:0021056, OMIM 175100. Disease mechanism: loss of function.

Submissions (3):

Ambry Genetics
Classification: Likely benign for Hereditary cancer-predisposing syndrome. Last evaluated: 2025-11-28. Review status: criteria provided, single submitter. Criteria: Ambry Variant Classification Scheme 2023. Collection method: clinical testing. Allele origin: germline.

Myriad Genetics, Inc.
Classification: Benign for Familial adenomatous polyposis 1. Last evaluated: 2024-03-27. Review status: criteria provided, single submitter. Criteria: Myriad Autosomal Dominant, Autosomal Recessive and X-Linked Classification Criteria (2023). Collection method: clinical testing. Allele origin: unknown.
Comment: This variant is considered benign. This variant is a silent/synonymous amino acid change and it is not expected to impact splicing.

Labcorp Genetics (formerly Invitae), Labcorp
Classification: Likely benign for Familial adenomatous polyposis 1. Last evaluated: 2020-11-16. Review status: criteria provided, single submitter. Criteria: Invitae Variant Classification Sherloc (09022015). Collection method: clinical testing. Allele origin: germline.

NM_000038.6(APC):c.4476C>T (p.Ala1492=)

Gene: APC (APC regulator of Wnt signaling pathway; plus strand). Cytogenetic location: 5q22.2.
Variant type: single nucleotide variant.
Coding change: c.4476C>T on transcript NM_000038.6 (MANE Select); coding-DNA position 4476, C replaced by T.
Protein change: p.Ala1492=; no amino-acid change (alanine 1492 retained).
Molecular consequence: synonymous variant.
Genome position (GRCh38, 1-based): chr5:112,840,070, C>T. VCF-style: chr5-112840070-C-T. GRCh37 (hg19) VCF-style: chr5-112175767-C-T.
Other names: c.4476C>T (NM_000038.5); c.4476C>T, p.Ala1492= (NM_001127510.3, NM_001354895.2); c.4422C>T, p.Ala1474= (NM_001127511.3); c.4530C>T, p.Ala1510= (NM_001354896.2); c.4506C>T, p.Ala1502= (NM_001354897.2); c.4401C>T, p.Ala1467= (NM_001354898.2); c.4392C>T, p.Ala1464= (NM_001354899.2); c.4353C>T, p.Ala1451= (NM_001354900.2); and 6 more.
Identifiers: ClinVar variation 1641889 (VCV001641889.10), dbSNP rs2149915694, ClinGen allele CA446206521.
Genomic context (GRCh38, chr5:112,840,070, plus strand): 5'-AAATGCTGCAGTTCAGAGGGTCCAGGTTCTTCCAGATGCTGATACTTTATTACATTTTGC[C>T]ACGGAAAGTACTCCAGATGGATTTTCTTGTTCATCCAGCCTGAGTGCTCTGAGCCTCGAT-3'
Protein context (NP_000029.2, residues 1482-1502): LPDADTLLHF[Ala1492=]TESTPDGFSC